The following is an entry in ClinVar:

ClinVar aggregate classification (germline): Likely pathogenic (1 of 4 stars; one submission).

Conditions:
LAMA2-related muscular dystrophy (LAMA2-RD). Also called: Laminin alpha 2-related dystrophy. Identifiers: MedGen C5679788, MONDO:0100228.

Submission:

Myriad Genetics, Inc.
Classification: Likely pathogenic for LAMA2-related muscular dystrophy. Last evaluated: 2019-01-10. Review status: criteria provided, single submitter. Criteria: Myriad Autosomal Dominant, Autosomal Recessive and X-Linked Classification Criteria (2023). Collection method: clinical testing. Allele origin: unknown.
Comment: NM_000426.3(LAMA2):c.4146T>A(C1382*) is expected to be pathogenic in the context of LAMA2-related muscular dystrophy. This variant is predicted to lead to an abnormal or absent protein product due to the creation of a premature termination codon in LAMA2, a gene where loss-of-function variants are known to be pathogenic. Please note: this variant was assessed in the context of healthy population screening.

NM_000426.4(LAMA2):c.4146T>A (p.Cys1382Ter)

Gene: LAMA2 (laminin subunit alpha 2; plus strand). Cytogenetic location: 6q22.33.
Variant type: single nucleotide variant.
Coding change: c.4146T>A on transcript NM_000426.4 (MANE Select); coding-DNA position 4146, T replaced by A.
Protein change: p.Cys1382Ter; replaces cysteine 1382 with a stop codon.
Molecular consequence: nonsense.
Genome position (GRCh38, 1-based): chr6:129,320,625, T>A. VCF-style: chr6-129320625-T-A. GRCh37 (hg19) VCF-style: chr6-129641770-T-A.
Other names: c.4146T>A, p.Cys1382Ter (NM_001079823.2); short protein forms C1382*.
Identifiers: ClinVar variation 983923 (VCV000983923.4), dbSNP rs1774908820, ClinGen allele CA365612874.